The following is an entry in ClinVar:

ClinVar aggregate classification (germline): Uncertain significance (1 of 4 stars; one submission).

Conditions:
Myofibrillar myopathy 5. Also called: FILAMINOPATHY, AUTOSOMAL DOMINANT; Filaminopathy (type). Identifiers: Orphanet 171445, MedGen C1836050, MONDO:0012289, OMIM 609524.
Hypertrophic cardiomyopathy 26. Also called: Cardiomyopathy, familial hypertrophic, 26. Identifiers: Orphanet 75249, MedGen C4310749, MONDO:0014883, OMIM 617047.
Distal myopathy with posterior leg and anterior hand involvement. Also called: WILLIAMS DISTAL MYOPATHY. Identifiers: Orphanet 63273, MedGen C3279722, MONDO:0013550, OMIM 614065.

Submission:

Labcorp Genetics (formerly Invitae), Labcorp
Classification: Uncertain significance for Distal myopathy with posterior leg and anterior hand involvement; Myofibrillar myopathy 5; Hypertrophic cardiomyopathy 26. Last evaluated: 2023-12-13. Review status: criteria provided, single submitter. Criteria: Invitae Variant Classification Sherloc (09022015). Collection method: clinical testing. Allele origin: germline.
Comment: This sequence change replaces alanine, which is neutral and non-polar, with aspartic acid, which is acidic and polar, at codon 1544 of the FLNC protein (p.Ala1544Asp). This variant is not present in population databases (gnomAD no frequency). This variant has not been reported in the literature in individuals affected with FLNC-related conditions. Advanced modeling of protein sequence and biophysical properties (such as structural, functional, and spatial information, amino acid conservation, physicochemical variation, residue mobility, and thermodynamic stability) has been performed at Invitae for this missense variant, however the output from this modeling did not meet the statistical confidence thresholds required to predict the impact of this variant on FLNC protein function. In summary, the available evidence is currently insufficient to determine the role of this variant in disease. Therefore, it has been classified as a Variant of Uncertain Significance.

NM_001458.5(FLNC):c.4631C>A (p.Ala1544Asp)

Gene: FLNC (filamin C; plus strand). Cytogenetic location: 7q32.1.
Variant type: single nucleotide variant.
Coding change: c.4631C>A on transcript NM_001458.5 (MANE Select); coding-DNA position 4631, C replaced by A.
Protein change: p.Ala1544Asp; replaces alanine 1544 with aspartic acid.
Molecular consequence: missense variant.
Genome position (GRCh38, 1-based): chr7:128,848,611, C>A. VCF-style: chr7-128848611-C-A. GRCh37 (hg19) VCF-style: chr7-128488665-C-A.
Other names: c.4631C>A, p.Ala1544Asp (NM_001127487.2); short protein forms A1544D.
Identifiers: ClinVar variation 2921367 (VCV002921367.3), dbSNP rs2536647963, ClinGen allele CA369202177.